The following is an entry in ClinVar:

NM_000059.4(BRCA2):c.1124C>A (p.Pro375His)

Gene: BRCA2 (BRCA2 DNA repair associated; plus strand). Cytogenetic location: 13q13.1.
Variant type: single nucleotide variant.
Coding change: c.1124C>A on transcript NM_000059.4 (MANE Select); coding-DNA position 1124, C replaced by A.
Protein change: p.Pro375His; replaces proline 375 with histidine.
Molecular consequence: missense variant. On other transcripts: non-coding transcript variant (1), intron variant (1).
Genome position (GRCh38, 1-based): chr13:32,332,602, C>A. VCF-style: chr13-32332602-C-A. GRCh37 (hg19) VCF-style: chr13-32906739-C-A.
Other names: c.1124C>A, p.Pro375His (NM_001406720.1, NM_001406721.1, NM_001432077.1 and 1 more transcripts); c.424+1572C>A (NM_001406722.1); short protein forms P375H.
Identifiers: ClinVar variation 4856447 (VCV004856447.1).

ClinVar aggregate classification (germline): Likely benign (1 of 4 stars; one submission).

Conditions:
Breast-ovarian cancer, familial, susceptibility to, 2 (BROVCA2). Also called: BRCA2 Hereditary Breast and Ovarian Cancer. Identifiers: Orphanet 145, MedGen C2675520, MONDO:0012933, OMIM 612555. Disease mechanism: loss of function.

gnomAD v4.1: 1 of 1,613,916 alleles (0.000062%); highest among the groups gnomAD compares: South Asian, 0.0011%; no homozygotes.

Submission:

Cancer Bioinformatics and Tumour Evolution Laboratory, Monash University
Classification: Likely benign for Breast-ovarian cancer, familial, susceptibility to, 2. Last evaluated: 2026-05-01. Review status: criteria provided, single submitter. Criteria: ClinGen BRCA1 and BRCA2 Guidelines, 2024. Collection method: curation. Allele origin: germline. Inheritance: Autosomal dominant inheritance.
Comment: Missense variant outside of a functional domain with no splice impact. BRCA1 and BRCA2 VCEP guidelines recommend application of BP1_Strong (PMID: 39142283)